The following is an entry in ClinVar:

ClinVar aggregate classification (germline): Conflicting classifications of pathogenicity. Review status: criteria provided, conflicting classifications (1 of 4 stars). 2 submissions from 2 submitters: Likely pathogenic (1); Uncertain significance (1). Last evaluated 2025-08-01.

Conditions:
Peroxisome biogenesis disorder 7A (Zellweger). Also called: Peroxisome biogenesis disorder 7A. Identifiers: Orphanet 912, MedGen C3888385, MONDO:0013938, OMIM 614872.
Peroxisome biogenesis disorder 7B (PBD7B). Identifiers: Orphanet 44, MedGen C3553951, MONDO:0013939, OMIM 614873.

Submissions (2):

Women's Health and Genetics/Laboratory Corporation of America, LabCorp
Classification: Uncertain significance. Last evaluated: 2025-08-01. Review status: criteria provided, single submitter. Criteria: LabCorp Variant Classification Summary - May 2015. Collection method: clinical testing. Allele origin: germline.
Comment: Variant summary: PEX26 c.256T>C (p.Cys86Arg) results in a non-conservative amino acid change in the encoded protein sequence. Algorithms developed to predict the effect of missense changes on protein structure and function all suggest that this variant is likely to be disruptive. The variant was absent in 251490 control chromosomes. c.256T>C has been observed in a homozygous individual affected with Zellweger Syndrome (Stowe_2017). These data indicate that the variant may be associated with disease. To our knowledge, no experimental evidence demonstrating an impact on protein function has been reported. The following publication has been ascertained in the context of this evaluation (PMID: 28823628). ClinVar contains an entry for this variant (Variation ID: 2925656). Based on the evidence outlined above, the variant was classified as VUS-possibly pathogenic.

Labcorp Genetics (formerly Invitae), Labcorp
Classification: Likely pathogenic for Peroxisome biogenesis disorder 7A (Zellweger); Peroxisome biogenesis disorder 7B. Last evaluated: 2023-11-25. Review status: criteria provided, single submitter. Criteria: Invitae Variant Classification Sherloc (09022015). Collection method: clinical testing. Allele origin: germline.
Comment: This sequence change replaces cysteine, which is neutral and slightly polar, with arginine, which is basic and polar, at codon 86 of the PEX26 protein (p.Cys86Arg). This variant is not present in population databases (gnomAD no frequency). This missense change has been observed in individual(s) with Zellweger syndrome (PMID: 28823628). Advanced modeling of protein sequence and biophysical properties (such as structural, functional, and spatial information, amino acid conservation, physicochemical variation, residue mobility, and thermodynamic stability) performed at Invitae indicates that this missense variant is expected to disrupt PEX26 protein function with a positive predictive value of 80%. In summary, the currently available evidence indicates that the variant is pathogenic, but additional data are needed to prove that conclusively. Therefore, this variant has been classified as Likely Pathogenic.

Literature cited by the submitters: PubMed 28823628 (cited by Women's Health and Genetics/Laboratory Corporation of America, LabCorp and Labcorp Genetics (formerly Invitae), Labcorp).

NM_001127649.3(PEX26):c.256T>C (p.Cys86Arg)

Gene: PEX26 (peroxisomal biogenesis factor 26; plus strand). Cytogenetic location: 22q11.21.
Variant type: single nucleotide variant.
Coding change: c.256T>C on transcript NM_001127649.3 (MANE Select); coding-DNA position 256, T replaced by C.
Protein change: p.Cys86Arg; replaces cysteine 86 with arginine.
Molecular consequence: missense variant.
Genome position (GRCh38, 1-based): chr22:18,079,899, T>C. VCF-style: chr22-18079899-T-C. GRCh37 (hg19) VCF-style: chr22-18562665-T-C.
Other names: c.256T>C, p.Cys86Arg (NM_001199319.2, NM_017929.6); short protein forms C86R.
Identifiers: ClinVar variation 2925656 (VCV002925656.5), dbSNP rs2517666052, ClinGen allele CA410265613.